The following is an entry in ClinVar:

ClinVar aggregate classification (germline): Pathogenic (1 of 4 stars; one submission).

Conditions:
Hereditary cancer-predisposing syndrome. Also called: Hereditary Cancer Syndrome; Hereditary neoplastic syndrome; Tumor predisposition; Neoplastic Syndromes, Hereditary. Identifiers: Orphanet 140162, MedGen C0027672, MeSH D009386, MONDO:0015356.

Submission:

Ambry Genetics
Classification: Pathogenic for Hereditary cancer-predisposing syndrome. Last evaluated: 2022-03-09. Review status: criteria provided, single submitter. Criteria: Ambry Variant Classification Scheme 2023. Collection method: clinical testing. Allele origin: germline.
Comment: The p.Y77* pathogenic mutation (also known as c.231C>A), located in coding exon 1 of the MEN1 gene, results from a C to A substitution at nucleotide position 231. This changes the amino acid from a tyrosine to a stop codon within coding exon 1. This alteration was identified in a cohort of 186 patients with either a clinical diagnosis or suspected diagnosis of multiple endocrine neoplasia type 1 (MEN1) (Ellard S et al. Clin Endocrinol (Oxf), 2005 Feb;62:169-75). This variant is considered to be rare based on population cohorts in the Genome Aggregation Database (gnomAD). In addition to the clinical data presented in the literature, this alteration is expected to result in loss of function by premature protein truncation or nonsense-mediated mRNA decay. As such, this alteration is interpreted as a disease-causing mutation.

Literature cited by the submitters: PubMed 15670192.

NM_001370259.2(MEN1):c.231C>A (p.Tyr77Ter)

Gene: MEN1 (menin 1; minus strand). Cytogenetic location: 11q13.1.
Variant type: single nucleotide variant.
Coding change: c.231C>A on transcript NM_001370259.2 (MANE Select); coding-DNA position 231, C replaced by A.
Protein change: p.Tyr77Ter; replaces tyrosine 77 with a stop codon.
Molecular consequence: nonsense.
Genome position (GRCh38, 1-based): chr11:64,809,879, G>T on the plus strand (C>A on the coding strand, the complement: MEN1 is on the minus strand). VCF-style: chr11-64809879-G-T. GRCh37 (hg19) VCF-style: chr11-64577351-G-T.
Other names: c.231C>A, p.Tyr77Ter (NM_000244.4, NM_001370260.2, NM_001370251.2 and 20 more transcripts); short protein forms Y77*.
Identifiers: ClinVar variation 1789538 (VCV001789538.2), dbSNP rs1555166567, ClinGen allele CA381187599.